The following is an entry in ClinVar:

ClinVar aggregate classification (germline): Uncertain significance (1 of 4 stars; one submission).

Conditions:
Hereditary sensory and autonomic neuropathy type 6. Also called: HSAN VI; Neuropathy, hereditary sensory and autonomic, type VI. Identifiers: Orphanet 314381, MedGen C3539003, MONDO:0013839, OMIM 614653.
Epidermolysis bullosa simplex 3, localized or generalized intermediate, with BP230 deficiency (EBS3). Also called: Epidermolysis bullosa simplex, autosomal recessive 2; Epidermolysis bullosa simplex due to BP230 deficiency. Identifiers: Orphanet 412181, MedGen C3809470, MONDO:0014180, OMIM 615425.

Allele frequency attached by ClinVar (database versions not stated): TOPMed below 0.00001; ExAC 0.00001; gnomAD 0.00001; gnomAD exomes 0.00001 and 0.00002; 1000 Genomes Project 30x 0.00016; 1000 Genomes Project 0.00020.
gnomAD v4.1: 26 of 1,613,862 alleles (0.0016%); highest among the groups gnomAD compares: East Asian, 0.058%; no homozygotes.

Submission:

Labcorp Genetics (formerly Invitae), Labcorp
Classification: Uncertain significance for Epidermolysis bullosa simplex 3, localized or generalized intermediate, with BP230 deficiency; Hereditary sensory and autonomic neuropathy type 6. Last evaluated: 2021-10-16. Review status: criteria provided, single submitter. Criteria: Invitae Variant Classification Sherloc (09022015). Collection method: clinical testing. Allele origin: germline.
Comment: Experimental studies and prediction algorithms are not available or were not evaluated, and the functional significance of this variant is currently unknown. In summary, the available evidence is currently insufficient to determine the role of this variant in disease. Therefore, it has been classified as a Variant of Uncertain Significance. This variant has not been reported in the literature in individuals affected with DST-related conditions. This variant is present in population databases (rs138036265, ExAC 0.01%). This sequence change replaces alanine with threonine at codon 3748 of the DST protein (pAla3748Thr). The DST gene has multiple clinically relevant transcripts. This variant occurs in alternate transcript NM_015548.4, and corresponds to NM_001723.5:c.*106860G>A in the primary transcript.

NM_001374736.1(DST):c.19111G>A (p.Ala6371Thr)

Gene: DST (dystonin; minus strand). Cytogenetic location: 6p12.1.
Variant type: single nucleotide variant.
Coding change: c.19111G>A on transcript NM_001374736.1 (MANE Select); coding-DNA position 19111, G replaced by A.
Protein change: p.Ala6371Thr; replaces alanine 6371 with threonine.
Molecular consequence: missense variant.
Genome position (GRCh38, 1-based): chr6:56,508,657, C>T on the plus strand (G>A on the coding strand, the complement: DST is on the minus strand). VCF-style: chr6-56508657-C-T. GRCh37 (hg19) VCF-style: chr6-56373455-C-T.
Other names: c.12754G>A, p.Ala4252Thr (NM_001144769.5); c.12340G>A, p.Ala4114Thr (NM_001144770.2); c.19111G>A, p.Ala6371Thr (NM_001374722.1); c.18151G>A, p.Ala6051Thr (NM_001374729.1); c.11893G>A, p.Ala3965Thr (NM_001374730.1); c.19138G>A, p.Ala6380Thr (NM_001374734.1); c.12220G>A, p.Ala4074Thr (NM_001386100.1, NM_183380.4); c.11242G>A, p.Ala3748Thr (NM_015548.5); short protein forms A3965T, A3748T, A4074T, A4114T, A4252T, A6051T, A6371T, A6380T.
Identifiers: ClinVar variation 1414567 (VCV001414567.6), dbSNP rs138036265, ClinGen allele CA3867072.
Genomic context (GRCh38, chr6:56,508,657, plus strand): 5'-AATCTTGAGTATCTTTAATGGTAACTATCAATGACATGTGATCACACCAGAACTTTTCTG[C>T]TAGCTCCATCACATCCAGTAGTTTGGCTTCCCTCTCTTCCACCAGTGTGTGTATGTTCTC-3'
Protein context (NP_001361665.1, residues 6361-6381): EAKLLDVMEL[Ala6371Thr]EKFWCDHMSL